The following is an entry in ClinVar:

NM_000455.5(STK11):c.291-20C>G

Gene: STK11 (serine/threonine kinase 11; plus strand). Cytogenetic location: 19p13.3.
Variant type: single nucleotide variant.
Coding change: c.291-20C>G on transcript NM_000455.5 (MANE Select); 20 bases into the intron before coding-DNA position 291, C replaced by G.
Molecular consequence: intron variant.
Genome position (GRCh38, 1-based): chr19:1,218,397, C>G. VCF-style: chr19-1218397-C-G. GRCh37 (hg19) VCF-style: chr19-1218396-C-G.
Identifiers: ClinVar variation 382247 (VCV000382247.4), dbSNP rs973142127, ClinGen allele CA16607687.

ClinVar aggregate classification (germline): Likely benign. Review status: criteria provided, multiple submitters, no conflicts (2 of 4 stars). 2 submissions from 2 submitters: Likely benign (2). Last evaluated 2025-01-23.

Conditions:
Peutz-Jeghers syndrome (PJS). Also called: Peutz-Jeghers polyposis; Periorificial lentiginosis syndrome; POLYPOSIS, HAMARTOMATOUS INTESTINAL; POLYPS-AND-SPOTS SYNDROME. Identifiers: Orphanet 2869, MedGen C0031269, MeSH D010580, MONDO:0008280, OMIM 175200.

Allele frequency attached by ClinVar (database versions not stated): gnomAD 0.00001; TOPMed 0.00001.

Submissions (2):

Labcorp Genetics (formerly Invitae), Labcorp
Classification: Likely benign for Peutz-Jeghers syndrome. Last evaluated: 2025-01-23. Review status: criteria provided, single submitter. Criteria: Invitae Variant Classification Sherloc (09022015). Collection method: clinical testing. Allele origin: germline.

GeneDx
Classification: Likely benign. Last evaluated: 2015-12-11. Review status: criteria provided, single submitter. Criteria: GeneDx Variant Classification (06012015). Collection method: clinical testing. Allele origin: germline. Affected: yes.
Comment: This variant is considered likely benign or benign based on one or more of the following criteria: it is a conservative change, it occurs at a poorly conserved position in the protein, it is predicted to be benign by multiple in silico algorithms, and/or has population frequency not consistent with disease.